The following is an entry in ClinVar:

NM_000051.4(ATM):c.6487C>G (p.Leu2163Val)

Genes: ATM (ATM serine/threonine kinase; plus strand), C11orf65 (chromosome 11 open reading frame 65; minus strand). Cytogenetic location: 11q22.3.
Variant type: single nucleotide variant.
Coding change: c.6487C>G on transcript NM_000051.4 (MANE Select); coding-DNA position 6487, C replaced by G.
Protein change: p.Leu2163Val; replaces leucine 2163 with valine.
Molecular consequence: missense variant. On other transcripts: intron variant (2).
Genome position (GRCh38, 1-based): chr11:108,321,335, C>G. VCF-style: chr11-108321335-C-G. GRCh37 (hg19) VCF-style: chr11-108192062-C-G.
Other names: c.641-12264G>C (NM_001330368.2); c.*39-12264G>C (NM_001351110.2); c.6487C>G, p.Leu2163Val (NM_001351834.2); short protein forms L2163V.
Identifiers: ClinVar variation 649363 (VCV000649363.8), dbSNP rs1591107130, ClinGen allele CA382554002.

ClinVar aggregate classification (germline): Uncertain significance. Review status: criteria provided, multiple submitters, no conflicts (2 of 4 stars). 3 submissions from 3 submitters: Uncertain significance (3). Last evaluated 2026-05-19.

Conditions:
Ataxia-telangiectasia syndrome (AT). Also called: Ataxia-telangiectasia, complementation group D; AT, COMPLEMENTATION GROUP C; ATAXIA-TELANGIECTASIA, COMPLEMENTATION GROUP A; ATAXIA-TELANGIECTASIA, FRESNO VARIANT; Ataxia-telangiectasia; LOUIS-BAR SYNDROME. Identifiers: Orphanet 100, MedGen C0004135, MONDO:0008840, OMIM 208900.
Hereditary cancer-predisposing syndrome. Also called: Tumor predisposition; Hereditary neoplastic syndrome; Neoplastic Syndromes, Hereditary; Hereditary Cancer Syndrome. Identifiers: Orphanet 140162, MedGen C0027672, MeSH D009386, MONDO:0015356.

Allele frequency attached by ClinVar (database versions not stated): gnomAD exomes below 0.00001.
gnomAD v4.1: 1 of 1,614,150 alleles (0.000062%); highest among the groups gnomAD compares: Non-Finnish European, 0.000085%; no homozygotes.

Submissions (3):

Women's Health and Genetics/Laboratory Corporation of America, LabCorp
Classification: Uncertain significance. Last evaluated: 2026-05-19. Review status: criteria provided, single submitter. Criteria: LabCorp Variant Classification Summary - May 2015. Collection method: clinical testing. Allele origin: germline.
Comment: Variant summary: ATM c.6487C>G (p.Leu2163Val) results in a conservative amino acid change in the encoded protein sequence. Algorithms developed to predict the effect of missense changes on protein structure and function are either unavailable or do not agree on the potential impact of this missense change. The variant was absent in 251456 control chromosomes. The available data on variant occurrences in the general population are insufficient to allow any conclusion about variant significance. To our knowledge, no occurrence of c.6487C>G in individuals affected with ATM-related conditions and no experimental evidence demonstrating its impact on protein function have been reported. ClinVar contains an entry for this variant (Variation ID: 649363). Based on the evidence outlined above, the variant was classified as uncertain significance.

Ambry Genetics
Classification: Uncertain significance for Hereditary cancer-predisposing syndrome. Last evaluated: 2023-11-03. Review status: criteria provided, single submitter. Criteria: Ambry Variant Classification Scheme 2023. Collection method: clinical testing. Allele origin: germline.
Comment: The p.L2163V variant (also known as c.6487C>G), located in coding exon 44 of the ATM gene, results from a C to G substitution at nucleotide position 6487. The leucine at codon 2163 is replaced by valine, an amino acid with highly similar properties. This amino acid position is highly conserved in available vertebrate species. In addition, the in silico prediction for this alteration is inconclusive. Since supporting evidence is limited at this time, the clinical significance of this alteration remains unclear.

Labcorp Genetics (formerly Invitae), Labcorp
Classification: Uncertain significance for Ataxia-telangiectasia syndrome. Last evaluated: 2022-10-12. Review status: criteria provided, single submitter. Criteria: Invitae Variant Classification Sherloc (09022015). Collection method: clinical testing. Allele origin: germline.
Comment: This sequence change replaces leucine, which is neutral and non-polar, with valine, which is neutral and non-polar, at codon 2163 of the ATM protein (p.Leu2163Val). This variant is not present in population databases (gnomAD no frequency). This variant has not been reported in the literature in individuals affected with ATM-related conditions. ClinVar contains an entry for this variant (Variation ID: 649363). Algorithms developed to predict the effect of missense changes on protein structure and function (SIFT, PolyPhen-2, Align-GVGD) all suggest that this variant is likely to be disruptive. In summary, the available evidence is currently insufficient to determine the role of this variant in disease. Therefore, it has been classified as a Variant of Uncertain Significance.